The following is an entry in ClinVar:

ClinVar aggregate classification (germline): Uncertain significance (1 of 4 stars; one submission).

Submission:

Labcorp Genetics (formerly Invitae), Labcorp
Classification: Uncertain significance. Last evaluated: 2024-09-18. Review status: criteria provided, single submitter. Criteria: Invitae Variant Classification Sherloc (09022015). Collection method: clinical testing. Allele origin: germline.
Comment: This variant, c.363_371dup, results in the insertion of 3 amino acid(s) of the FOXI3 protein (p.Ala122_Ala124dup), but otherwise preserves the integrity of the reading frame. This variant is not present in population databases (gnomAD no frequency). This variant has not been reported in the literature in individuals affected with FOXI3-related conditions. ClinVar contains an entry for this variant (Variation ID: 1000553). Experimental studies and prediction algorithms are not available or were not evaluated, and the functional significance of this variant is currently unknown. In summary, the available evidence is currently insufficient to determine the role of this variant in disease. Therefore, it has been classified as a Variant of Uncertain Significance.

NM_001135649.3(FOXI3):c.363_371dup (p.Ala122_Ala124dup)

Gene: FOXI3 (forkhead box I3; minus strand). Cytogenetic location: 2p11.2.
Variant type: Duplication.
Coding change: c.363_371dup on transcript NM_001135649.3 (MANE Select); coding-DNA positions 363 to 371, 9 bases duplicated (CGCGCCCGC; older notation c.363_371dupCGCGCCCGC).
Protein change: p.Ala122_Ala124dup.
Molecular consequence: inframe insertion.
Genome position (GRCh38, 1-based): chr2:88,452,165-88,452,173, GCGGGCGCG duplicated on the plus strand (CGCGCCCGC on the coding strand, the reverse complement: FOXI3 is on the minus strand); duplicating any 9 consecutive bases within chr2:88,452,165-88,452,180 gives the same sequence; the c. name uses the placement nearest the transcript's 3' end. VCF-style (leftmost placement, unchanged base first): chr2-88452164-C-CGCGGGCGCG. GRCh37 (hg19) VCF-style: chr2-88751683-C-CGCGGGCGCG.
Identifiers: ClinVar variation 1000553 (VCV001000553.8), dbSNP rs1676060502, ClinGen allele CA427452979.